The following is an entry in ClinVar:

NM_001002294.3(FMO3):c.50C>T (p.Ser17Phe)

Gene: FMO3 (flavin containing dimethylaniline monoxygenase 3; plus strand). Cytogenetic location: 1q24.3.
Variant type: single nucleotide variant.
Coding change: c.50C>T on transcript NM_001002294.3 (MANE Select); coding-DNA position 50, C replaced by T.
Protein change: p.Ser17Phe; replaces serine 17 with phenylalanine.
Molecular consequence: missense variant. On other transcripts: 5 prime UTR variant (1).
Genome position (GRCh38, 1-based): chr1:171,092,708, C>T. VCF-style: chr1-171092708-C-T. GRCh37 (hg19) VCF-style: chr1-171061849-C-T.
Other names: c.-138C>T (NM_001319173.2); c.50C>T, p.Ser17Phe (NM_001319174.2, NM_006894.6); short protein forms S17F.
Identifiers: ClinVar variation 3029305 (VCV003029305.2), dbSNP rs2526256943, ClinGen allele CA343177006.

ClinVar aggregate classification (germline): Uncertain significance (0 of 4 stars; one submission).

Conditions:
FMO3-related disorder. Also called: FMO3-related condition.

Submission:

PreventionGenetics, part of Exact Sciences
Classification: Uncertain significance for FMO3-related condition. Last evaluated: 2023-12-04. Review status: no assertion criteria provided. Collection method: clinical testing. Allele origin: germline.
Comment: The FMO3 c.50C>T variant is predicted to result in the amino acid substitution p.Ser17Phe. To our knowledge, this variant has not been reported in the literature or in a large population database, indicating this variant is rare. At this time, the clinical significance of this variant is uncertain due to the absence of conclusive functional and genetic evidence.